The following is an entry in ClinVar:

ClinVar aggregate classification (germline): Benign (1 of 4 stars; one submission).

Conditions:
Progressive external ophthalmoplegia with mitochondrial DNA deletions, autosomal dominant 4. Also called: PROGRESSIVE EXTERNAL OPHTHALMOPLEGIA, AUTOSOMAL DOMINANT 4. Identifiers: MedGen C1864668, MONDO:0012415, OMIM 610131.

Allele frequency attached by ClinVar (database versions not stated): gnomAD 0.00005 and 0.00011; TOPMed 0.00010; gnomAD exomes 0.00016; 1000 Genomes Project 30x 0.00078; 1000 Genomes Project 0.00100.
gnomAD v4.1: 225 of 1,486,610 alleles (0.015%); highest among the groups gnomAD compares: East Asian, 0.5%; no homozygotes.

Submission:

Illumina Laboratory Services, Illumina
Classification: Benign for Progressive external ophthalmoplegia with mitochondrial DNA deletions, autosomal dominant 4. Last evaluated: 2018-01-12. Review status: criteria provided, single submitter. Criteria: ICSL Variant Classification Criteria 13 December 2019. Collection method: clinical testing. Allele origin: germline.
Comment: This variant was observed in the ICSL laboratory as part of a predisposition screen in an ostensibly healthy population. It had not been previously curated by ICSL or reported in the Human Gene Mutation Database (HGMD: prior to June 1st, 2018), and was therefore a candidate for classification through an automated scoring system. Utilizing variant allele frequency, disease prevalence and penetrance estimates, and inheritance mode, an automated score was calculated to assess if this variant is too frequent to cause the disease. Based on the score and internal cut-off values, a variant classified as benign is not then subjected to further curation. The score for this variant resulted in a classification of benign for this disease.

NM_007215.4(POLG2):c.-70T>C

Genes: POLG2 (DNA polymerase gamma 2, accessory subunit; minus strand), MILR1 (mast cell immunoglobulin like receptor 1; plus strand). Cytogenetic location: 17q23.3.
Variant type: single nucleotide variant.
Coding change: c.-70T>C on transcript NM_007215.4 (MANE Select); 70 bases upstream of the start codon, T replaced by C.
Molecular consequence: 5 prime UTR variant.
Genome position (GRCh38, 1-based): chr17:64,497,038, A>G on the plus strand (T>C on the coding strand, the complement: POLG2 is on the minus strand). VCF-style: chr17-64497038-A-G. GRCh37 (hg19) VCF-style: chr17-62493156-A-G.
Identifiers: ClinVar variation 892465 (VCV000892465.4), dbSNP rs138418765, ClinGen allele CA293017498.